The following is an entry in ClinVar:

ClinVar aggregate classification (germline): Pathogenic (1 of 4 stars; one submission).

Submission:

Labcorp Genetics (formerly Invitae), Labcorp
Classification: Pathogenic. Last evaluated: 2023-10-03. Review status: criteria provided, single submitter. Criteria: Invitae Variant Classification Sherloc (09022015). Collection method: clinical testing. Allele origin: germline.
Comment: This sequence change creates a premature translational stop signal (p.Ser401Glnfs*85) in the PLK4 gene. It is expected to result in an absent or disrupted protein product. Loss-of-function variants in PLK4 are known to be pathogenic (PMID: 25320347, 30842647). This variant is not present in population databases (gnomAD no frequency). This variant has not been reported in the literature in individuals affected with PLK4-related conditions. ClinVar contains an entry for this variant (Variation ID: 1452199). For these reasons, this variant has been classified as Pathogenic.

Literature cited by the submitters: PubMed 25320347; PubMed 30842647.

NM_014264.5(PLK4):c.1201del (p.Ser401fs)

Gene: PLK4 (polo like kinase 4; plus strand). Cytogenetic location: 4q28.1.
Variant type: Deletion.
Coding change: c.1201del on transcript NM_014264.5 (MANE Select); coding-DNA position 1201, one base deleted (T; older notation c.1201delT).
Protein change: p.Ser401fs; shifts the reading frame from serine 401.
Molecular consequence: frameshift variant.
Genome position (GRCh38, 1-based): chr4:127,886,571, T deleted. VCF-style (leftmost placement, unchanged base first): chr4-127886570-CT-C. GRCh37 (hg19) VCF-style: chr4-128807725-CT-C.
Other names: c.1105del, p.Ser369fs (NM_001190799.2); c.1078del, p.Ser360fs (NM_001190801.2); short protein forms S369fs, S360fs, S401fs.
Identifiers: ClinVar variation 1452199 (VCV001452199.6), dbSNP rs2148818274, ClinGen allele CA2573138044.